The following is an entry in ClinVar:

ClinVar aggregate classification (germline): Likely benign (1 of 4 stars; one submission).

gnomAD v4.1: 47 of 1,576,944 alleles (0.003%); highest among the groups gnomAD compares: Non-Finnish European, 0.0039%; no homozygotes.

Submission:

CeGaT Center for Human Genetics Tuebingen
Classification: Likely benign. Last evaluated: 2026-03-01. Review status: criteria provided, single submitter. Criteria: CeGaT Center For Human Genetics Tuebingen Variant Classification Criteria Version 2. Collection method: clinical testing. Allele origin: germline. Affected: yes. Observed: 1 variant allele.
Comment: NDRG1: BP4, BP7

NM_006096.4(NDRG1):c.1113C>T (p.His371=)

Gene: NDRG1 (N-myc downstream regulated 1; minus strand). Cytogenetic location: 8q24.22.
Variant type: single nucleotide variant.
Coding change: c.1113C>T on transcript NM_006096.4 (MANE Select); coding-DNA position 1113, C replaced by T.
Protein change: p.His371=; no amino-acid change (histidine 371 retained).
Molecular consequence: synonymous variant.
Genome position (GRCh38, 1-based): chr8:133,238,950, G>A on the plus strand (C>T on the coding strand, the complement: NDRG1 is on the minus strand). VCF-style: chr8-133238950-G-A. GRCh37 (hg19) VCF-style: chr8-134251193-G-A.
Other names: c.1113C>T, p.His371= (NM_001135242.2, NM_001374845.1, NM_001374846.1); c.915C>T, p.His305= (NM_001258432.2, NM_001374847.1); c.870C>T, p.His290= (NM_001258433.2); c.1164C>T, p.His388= (NM_001374844.1).
Identifiers: ClinVar variation 4821650 (VCV004821650.4).